The following is an entry in ClinVar:

NM_000059.4(BRCA2):c.608C>A (p.Thr203Asn)

Gene: BRCA2 (BRCA2 DNA repair associated; plus strand). Cytogenetic location: 13q13.1.
Variant type: single nucleotide variant.
Coding change: c.608C>A on transcript NM_000059.4 (MANE Select); coding-DNA position 608, C replaced by A.
Protein change: p.Thr203Asn; replaces threonine 203 with asparagine.
Molecular consequence: missense variant.
Genome position (GRCh38, 1-based): chr13:32,326,590, C>A. VCF-style: chr13-32326590-C-A. GRCh37 (hg19) VCF-style: chr13-32900727-C-A.
Other names: 836C>A; short protein forms T203N.
Identifiers: ClinVar variation 91437 (VCV000091437.31), dbSNP rs398122547, ClinGen allele CA023638.

ClinVar aggregate classification (germline): Conflicting classifications of pathogenicity. Review status: criteria provided, conflicting classifications (1 of 4 stars). 10 submissions from 9 submitters: Uncertain significance (7); Likely benign (2). 1 of the submissions does not count toward it. Last evaluated 2025-12-22.

Conditions:
Familial colorectal cancer type X. Identifiers: Orphanet 440437, MedGen C3896578, MONDO:0018604.
Hereditary cancer-predisposing syndrome. Also called: Neoplastic Syndromes, Hereditary; Hereditary neoplastic syndrome; Hereditary Cancer Syndrome; Tumor predisposition. Identifiers: Orphanet 140162, MedGen C0027672, MeSH D009386, MONDO:0015356.
Hereditary breast ovarian cancer syndrome. Also called: Breast and ovarian cancer; BRCA1- and BRCA2-Associated Hereditary Breast and Ovarian Cancer; Hereditary breast and ovarian cancer syndrome (HBOC); Hereditary breast and/or ovarian cancer syndrome; Hereditary breast and ovarian cancer; Hereditary breast and ovarian cancer syndrome. Identifiers: Orphanet 145, MedGen C0677776, MeSH D061325, MONDO:0003582. Disease mechanism: loss of function.
Fanconi anemia complementation group D1. Also called: BRCA2-Related Fanconi Anemia. Identifiers: Orphanet 319462, MedGen C1838457, MONDO:0011584, OMIM 605724.
Breast-ovarian cancer, familial, susceptibility to, 2 (BROVCA2). Also called: BRCA2 Hereditary Breast and Ovarian Cancer. Identifiers: Orphanet 145, MedGen C2675520, MONDO:0012933, OMIM 612555. Disease mechanism: loss of function.

Allele frequency attached by ClinVar (database versions not stated): gnomAD exomes below 0.00001 and 0.00001; ExAC 0.00001; TOPMed 0.00001.
gnomAD v4.1: 4 of 1,609,098 alleles (0.00025%); highest among the groups gnomAD compares: Admixed American, 0.0033%; no homozygotes.

Submissions (10):

Labcorp Genetics (formerly Invitae), Labcorp
Classification: Likely benign for Hereditary breast ovarian cancer syndrome. Last evaluated: 2025-12-22. Review status: criteria provided, single submitter. Criteria: Invitae Variant Classification Sherloc (09022015). Collection method: clinical testing. Allele origin: germline.

Dasa
Classification: Uncertain significance for Breast-ovarian cancer, familial, susceptibility to, 2. Last evaluated: 2025-10-05. Review status: criteria provided, single submitter. Criteria: DASA Assertion Criteria. Collection method: clinical testing. Allele origin: germline.
Comment: NM_000059.4(BRCA2):c.608C>A (p.Thr203Asn) is a missense variant that results in the substitution of threonine with asparagine. This variant is rare in population databases. The currently available literature and clinical evidence are not sufficient to establish a definitive association between this variant and the reported condition. Therefore, this variant is classified as a variant of uncertain significance.

Ambry Genetics
Classification: Likely benign for Hereditary cancer-predisposing syndrome. Last evaluated: 2023-12-15. Review status: criteria provided, single submitter. Criteria: Ambry Variant Classification Scheme 2023. Collection method: clinical testing. Allele origin: germline.

GeneDx
Classification: Uncertain significance. Last evaluated: 2023-12-14. Review status: criteria provided, single submitter. Criteria: GeneDx Variant Classification Process June 2021. Collection method: clinical testing. Allele origin: germline. Affected: yes.
Comment: Observed in a patient with breast cancer (PMID: 35534704); Not observed at significant frequency in large population cohorts (gnomAD); In silico analysis supports that this missense variant does not alter protein structure/function; Also known as 836C>A; This variant is associated with the following publications: (PMID: 12815053, 35534704, 29884841, 32377563, 31853058)

Department of Pathology and Laboratory Medicine, Sinai Health System
Classification: Uncertain significance for Familial colorectal cancer type X. Last evaluated: 2023-01-09. Review status: criteria provided, single submitter. Criteria: ACMG Guidelines, 2015. Collection method: clinical testing. Allele origin: germline. Affected: yes.

Color Diagnostics, LLC DBA Color Health
Classification: Uncertain significance for Hereditary cancer-predisposing syndrome. Last evaluated: 2020-01-16. Review status: criteria provided, single submitter. Criteria: ACMG Guidelines, 2015. Collection method: clinical testing. Allele origin: germline.
Comment: This missense variant replaces threonine with asparagine at codon 203 of the BRCA2 protein. Computational prediction suggests that this variant may not impact protein structure and function (internally defined REVEL score threshold <= 0.5, PMID: 27666373). Splice site prediction tools suggest that this variant may not impact RNA splicing. To our knowledge, functional studies have not been performed for this variant. This variant has not been reported in individuals affected with hereditary cancer in the literature. This variant has been identified in 2/251368 chromosomes in the general population by the Genome Aggregation Database (gnomAD). The available evidence is insufficient to determine the role of this variant in disease conclusively. Therefore, this variant is classified as a Variant of Uncertain Significance.

Illumina Laboratory Services, Illumina
Classification: Uncertain significance for Breast-ovarian cancer, familial, susceptibility to, 2. Last evaluated: 2018-01-12. Review status: criteria provided, single submitter. Criteria: ICSL Variant Classification Criteria 13 December 2019. Collection method: clinical testing. Allele origin: germline.

Illumina Laboratory Services, Illumina
Classification: Uncertain significance for Fanconi anemia complementation group D1. Last evaluated: 2018-01-12. Review status: criteria provided, single submitter. Criteria: ICSL Variant Classification Criteria 13 December 2019. Collection method: clinical testing. Allele origin: germline.

Quest Diagnostics Nichols Institute San Juan Capistrano
Classification: Uncertain significance. Last evaluated: 2017-12-26. Review status: criteria provided, single submitter. Criteria: Quest Diagnostics criteria. Collection method: clinical testing. Allele origin: germline.

Sharing Clinical Reports Project (SCRP)
Classification: Uncertain significance for Breast-ovarian cancer, familial 2. Last evaluated: 2012-09-04. Review status: no assertion criteria provided. Collection method: clinical testing. Allele origin: germline. Not counted in ClinVar's aggregate classification.